The following is an entry in ClinVar:

NM_025081.3(NYNRIN):c.2126C>T (p.Ala709Val)

Gene: NYNRIN (NYN domain and retroviral integrase containing; plus strand). Cytogenetic location: 14q12.
Variant type: single nucleotide variant.
Coding change: c.2126C>T on transcript NM_025081.3 (MANE Select); coding-DNA position 2126, C replaced by T.
Protein change: p.Ala709Val; replaces alanine 709 with valine.
Molecular consequence: missense variant.
Genome position (GRCh38, 1-based): chr14:24,409,920, C>T. VCF-style: chr14-24409920-C-T. GRCh37 (hg19) VCF-style: chr14-24879126-C-T.
Other names: short protein forms A709V.
Identifiers: ClinVar variation 3632595 (VCV003632595.2).
Genomic context (GRCh38, chr14:24,409,920, plus strand): 5'-ATGCAGGGCCAACCTTGGATGTAGCCAGACTTCTGAGTGAGGTCCAGCCTACATCAAGGG[C>T]TAGTGTCTCCTTACTGAAGGGCCAGGGGCAGGCTGGAAGGCAGGGTCCCCAGTCCAGTGG-3'
Protein context (NP_079357.2, residues 699-719): LLSEVQPTSR[Ala709Val]SVSLLKGQGQ

ClinVar aggregate classification (germline): Uncertain significance (1 of 4 stars; one submission).

Submission:

Labcorp Genetics (formerly Invitae), Labcorp
Classification: Uncertain significance. Last evaluated: 2025-01-26. Review status: criteria provided, single submitter. Criteria: Invitae Variant Classification Sherloc (09022015). Collection method: clinical testing. Allele origin: germline.
Comment: This sequence change replaces alanine, which is neutral and non-polar, with valine, which is neutral and non-polar, at codon 709 of the NYNRIN protein (p.Ala709Val). This variant is present in population databases (no rsID available, gnomAD 0.0009%). This variant has not been reported in the literature in individuals affected with NYNRIN-related conditions. Experimental studies and prediction algorithms are not available or were not evaluated, and the functional significance of this variant is currently unknown. Algorithms developed to predict the effect of sequence changes on RNA splicing suggest that this variant may create or strengthen a splice site. In summary, the available evidence is currently insufficient to determine the role of this variant in disease. Therefore, it has been classified as a Variant of Uncertain Significance.